The following is an entry in ClinVar:

ClinVar aggregate classification (germline): Uncertain significance (1 of 4 stars; one submission).

Conditions:
Hereditary cancer-predisposing syndrome. Also called: Tumor predisposition; Neoplastic Syndromes, Hereditary; Hereditary neoplastic syndrome; Hereditary Cancer Syndrome. Identifiers: Orphanet 140162, MedGen C0027672, MeSH D009386, MONDO:0015356.

gnomAD v4.1: 17 of 152,094 alleles (0.011%); highest among the groups gnomAD compares: Non-Finnish European, 0.022%; no homozygotes.

Submission:

Ambry Genetics
Classification: Uncertain significance for Hereditary cancer-predisposing syndrome. Last evaluated: 2025-06-27. Review status: criteria provided, single submitter. Criteria: Ambry Variant Classification Scheme 2023. Collection method: clinical testing. Allele origin: germline.
Comment: The c.2814-984T>G intronic variant results from a T to G substitution 984 nucleotides upstream from coding exon 21 in the MSH3 gene. This nucleotide position is highly conserved on limited sequence alignment. In silico splice site analysis predicts that this alteration will result in the creation or strengthening of a novel splice donor site; however, direct evidence is insufficient at this time (Ambry internal data). Based on the available evidence, the clinical significance of this variant remains unclear.

NM_002439.5(MSH3):c.2814-984T>G

Gene: MSH3 (mutS homolog 3; plus strand). Cytogenetic location: 5q14.1.
Variant type: single nucleotide variant.
Coding change: c.2814-984T>G on transcript NM_002439.5 (MANE Select); 984 bases into the intron before coding-DNA position 2814, T replaced by G.
Molecular consequence: intron variant.
Genome position (GRCh38, 1-based): chr5:80,853,146, T>G. VCF-style: chr5-80853146-T-G. GRCh37 (hg19) VCF-style: chr5-80148965-T-G.
Identifiers: ClinVar variation 4111074 (VCV004111074.1).